The following is an entry in ClinVar:

NM_177438.3(DICER1):c.4569del (p.Phe1523fs)

Gene: DICER1 (dicer 1, ribonuclease III; minus strand). Cytogenetic location: 14q32.13.
Variant type: Deletion.
Coding change: c.4569del on transcript NM_177438.3 (MANE Select); coding-DNA position 4569, one base deleted (T; older notation c.4569delT).
Protein change: p.Phe1523fs; shifts the reading frame from phenylalanine 1523.
Molecular consequence: frameshift variant. On other transcripts: non-coding transcript variant (6).
Genome position (GRCh38, 1-based): chr14:95,096,351, A deleted on the plus strand (T on the coding strand, the reverse complement: DICER1 is on the minus strand); the first of 3 consecutive A bases (chr14:95,096,351-95,096,353); deleting any one gives the same sequence. VCF-style (leftmost placement, unchanged base first): chr14-95096350-CA-C. GRCh37 (hg19) VCF-style: chr14-95562687-CA-C.
Other names: c.4569del, p.Phe1523fs (NM_001395682.1, NM_001395683.1, NM_001395684.1 and 12 more transcripts); c.4287del, p.Phe1429fs (NM_001395686.1); c.4164del, p.Phe1388fs (NM_001395687.1, NM_001395688.1, NM_001395689.1 and 2 more transcripts); c.4002del, p.Phe1334fs (NM_001395691.1); c.2886del, p.Phe962fs (NM_001395697.1); short protein forms F1523fs, F1388fs, F1429fs, F1334fs, F962fs.
Identifiers: ClinVar variation 5005363 (VCV005005363.2).

ClinVar aggregate classification (germline): Likely pathogenic (1 of 4 stars; one submission).

Conditions:
Global developmental delay - lung cysts - overgrowth - Wilms tumor syndrome. Also called: GLOW Syndrome; GLOBAL DEVELOPMENTAL DELAY, LUNG CYSTS, OVERGROWTH, AND WILMS TUMOR. Identifiers: Orphanet 404476, MedGen C4748924, MONDO:0018445, OMIM 618272.
Euthyroid goiter (MNG1). Also called: Goiter, multinodular 1, with or without Sertoli-Leydig cell tumors; SIMPLE GOITER; GOITER, NONTOXIC, WITH INTRATHYROIDAL CALCIFICATION; MULTINODULAR GOITER, ADOLESCENT. Identifiers: Orphanet 276399, MedGen C0302859, MONDO:0007681, OMIM 138800, HP:0009798.
Rhabdomyosarcoma, embryonal, 2 (RMSE2). Identifiers: MedGen C1867234, MONDO:0859046, OMIM 180295.
Pleuropulmonary blastoma (PPB). Identifiers: Orphanet 64742, MedGen C1266144, MONDO:0011014, OMIM 601200, HP:0100528.

Submission:

Juno Genomics, Hangzhou Juno Genomics, Inc
Classification: Likely pathogenic for Global developmental delay - lung cysts - overgrowth - Wilms tumor syndrome; Euthyroid goiter; Pleuropulmonary blastoma; Rhabdomyosarcoma, embryonal, 2. Review status: criteria provided, single submitter. Criteria: ACMG Guidelines, 2015. Collection method: clinical testing. Allele origin: germline.
Comment: Null variant in a gene where loss of function (LOF) is a known mechanism of disease.;Absent from controls (or at extremely low frequency if recessive) in Genome Aggregation Database.